The following is an entry in ClinVar:

NM_003036.4(SKI):c.1131T>C (p.Ser377=)

Gene: SKI (SKI proto-oncogene; plus strand). Cytogenetic location: 1p36.32.
Variant type: single nucleotide variant.
Coding change: c.1131T>C on transcript NM_003036.4 (MANE Select); coding-DNA position 1131, T replaced by C.
Protein change: p.Ser377=; no amino-acid change (serine 377 retained).
Molecular consequence: synonymous variant.
Genome position (GRCh38, 1-based): chr1:2,303,320, T>C. VCF-style: chr1-2303320-T-C. GRCh37 (hg19) VCF-style: chr1-2234759-T-C.
Identifiers: ClinVar variation 3053178 (VCV003053178.3), dbSNP rs925802830, ClinGen allele CA16895571.

ClinVar aggregate classification (germline): Likely benign. Review status: criteria provided, single submitter (1 of 4 stars). 2 submissions from 2 submitters: Likely benign (1). 1 of the submissions does not count toward it. Last evaluated 2024-10-07.

Conditions:
SKI-related disorder. Also called: SKI-related condition.
Familial thoracic aortic aneurysm and aortic dissection (TAAD). Also called: Thoracic aortic aneurysms and dissections. Identifiers: Orphanet 91387, MedGen C4707243, MONDO:0019625.

Allele frequency attached by ClinVar (database versions not stated): gnomAD exomes below 0.00001.
gnomAD v4.1: 2 of 1,613,924 alleles (0.00012%); highest among the groups gnomAD compares: Non-Finnish European, 0.00017%; no homozygotes.

Submissions (2):

Ambry Genetics
Classification: Likely benign for Familial thoracic aortic aneurysm and aortic dissection. Last evaluated: 2024-10-07. Review status: criteria provided, single submitter. Criteria: Ambry Variant Classification Scheme 2023. Collection method: clinical testing. Allele origin: germline.

PreventionGenetics, part of Exact Sciences
Classification: Likely benign for SKI-related condition. Last evaluated: 2023-01-20. Review status: no assertion criteria provided. Collection method: clinical testing. Allele origin: germline. Not counted in ClinVar's aggregate classification.
Comment: This variant is classified as likely benign based on ACMG/AMP sequence variant interpretation guidelines (Richards et al. 2015 PMID: 25741868, with internal and published modifications).